The following is an entry in ClinVar:

ClinVar aggregate classification (germline): Conflicting classifications of pathogenicity. Review status: criteria provided, conflicting classifications (1 of 4 stars). 10 submissions from 10 submitters: Uncertain significance (5); Benign (1); Likely benign (3). 1 of the submissions does not count toward it. Last evaluated 2026-06-01.

Conditions:
TSC1-related disorder. Also called: TSC1-related condition.
Hereditary cancer-predisposing syndrome. Also called: Tumor predisposition; Neoplastic Syndromes, Hereditary; Hereditary Cancer Syndrome; Hereditary neoplastic syndrome. Identifiers: Orphanet 140162, MedGen C0027672, MeSH D009386, MONDO:0015356.
Tuberous sclerosis syndrome (TSC). Also called: Tuberous Sclerosis Complex; Tuberous sclerosis. Identifiers: Orphanet 805, MedGen C0041341, MONDO:0001734.
Tuberous sclerosis 1 (TSC1). Identifiers: Orphanet 805, MedGen C1854465, MONDO:0008612, OMIM 191100.

Allele frequency attached by ClinVar (database versions not stated): gnomAD exomes 0.00001 and 0.00005; ExAC 0.00006; 1000 Genomes Project 0.00020; 1000 Genomes Project 30x 0.00031; gnomAD 0.00001.

Submissions (10):

CeGaT Center for Human Genetics Tuebingen
Classification: Uncertain significance. Last evaluated: 2026-06-01. Review status: criteria provided, single submitter. Criteria: CeGaT Center For Human Genetics Tuebingen Variant Classification Criteria Version 2. Collection method: clinical testing. Allele origin: germline. Affected: yes. Observed: 1 variant allele.
Comment: TSC1: PP2

Labcorp Genetics (formerly Invitae), Labcorp
Classification: Benign for Tuberous sclerosis 1. Last evaluated: 2025-12-31. Review status: criteria provided, single submitter. Criteria: Invitae Variant Classification Sherloc (09022015). Collection method: clinical testing. Allele origin: germline.

Color Diagnostics, LLC DBA Color Health
Classification: Uncertain significance for Tuberous sclerosis syndrome. Last evaluated: 2025-06-12. Review status: criteria provided, single submitter. Criteria: ACMG Guidelines, 2015. Collection method: clinical testing. Allele origin: germline.
Comment: This missense variant replaces arginine with tryptophan at codon 316 of the TSC1 protein. Computational prediction is inconclusive regarding the impact of this variant on protein structure and function. To our knowledge, functional studies have not been reported for this variant. This variant has not been reported in individuals affected with hereditary cancer in the literature. This variant has been identified in 12/251256 chromosomes in the general population by the Genome Aggregation Database (gnomAD). The available evidence is insufficient to determine the role of this variant in disease conclusively. Therefore, this variant is classified as a Variant of Uncertain Significance.

Myriad Genetics, Inc.
Classification: Likely benign for Tuberous sclerosis 1. Last evaluated: 2025-04-09. Review status: criteria provided, single submitter. Criteria: Myriad Autosomal Dominant, Autosomal Recessive and X-Linked Classification Criteria (2023). Collection method: clinical testing. Allele origin: unknown.
Comment: This variant is considered likely benign. This variant has been observed at a population frequency that is significantly greater than expected given the associated disease prevalence and penetrance.

Molecular Pathology, Peter Maccallum Cancer Centre
Classification: Uncertain significance for Tuberous sclerosis 1. Last evaluated: 2024-04-14. Review status: criteria provided, single submitter. Criteria: ACMG Guidelines, 2015. Collection method: clinical testing. Allele origin: germline. Inheritance: Autosomal dominant inheritance.

Ambry Genetics
Classification: Likely benign for Hereditary cancer-predisposing syndrome. Last evaluated: 2023-04-21. Review status: criteria provided, single submitter. Criteria: Ambry Variant Classification Scheme 2023. Collection method: clinical testing. Allele origin: germline.

Sema4
Classification: Uncertain significance for Hereditary cancer-predisposing syndrome. Last evaluated: 2021-12-28. Review status: criteria provided, single submitter. Criteria: Sema4 Curation Guidelines. Collection method: curation. Allele origin: germline.
Comment: The TSC1 c.946C>T (p.R316W) variant has not been reported in the literature to our knowledge. It was observed in 5/30616 chromosomes of the South Asian subpopulation in the large and broad cohorts of the Genome Aggregation Database (PMID: 32461654). The variant has been reported in ClinVar (Variation ID 207630). Functional studies have not been performed, and in silico predictions of the variant's effect on protein function are inconclusive. The evidence is insufficient to meet ACMG/AMP criteria for classifying the variant as benign or pathogenic. Thus, the clinical significance of this variant is currently uncertain.

Genome-Nilou Lab
Classification: Likely benign for Tuberous sclerosis 1. Last evaluated: 2021-11-07. Review status: criteria provided, single submitter. Criteria: ACMG Guidelines, 2015. Collection method: clinical testing. Allele origin: germline. Affected: no.

GeneDx
Classification: Uncertain significance. Last evaluated: 2016-09-02. Review status: criteria provided, single submitter. Criteria: GeneDx Variant Classification (06012015). Collection method: clinical testing. Allele origin: germline. Affected: yes.
Comment: p.Arg316Trp (CGG>TGG): c.946 C>T in exon 10 of the TSC1 gene (NM_000368.3). The Arg316Trp missense change has not been published as a mutation, nor has it been reported as a benign polymorphism to our knowledge. The NHLBI ESP Exome Variant Project has not identified Arg316Trp in approximately 6,500 individuals of European or African American ethnicity, indicating that it is not a common benign variant in these populations. The amino acid substitution is non-conservative as a positively charged Arginine residue is replaced by an uncharged Tryptophan residue and several in-silico algorithms predict it may be damaging to the structure/function of TSC1 protein. However, Arg316Trp alters a poorly conserved position in the protein and the vast majority of TSC1 mutations result in protein truncation, while missense mutations have been reported only rarely (Northrup et al., 2011; Au et al., 2007). Therefore, based on the currently available information, it is unclear whether Arg316Trp is a disease-causing mutation or a rare benign variant. The variant is found in EPILEPSY panel(s).

PreventionGenetics, part of Exact Sciences
Classification: Uncertain significance for TSC1-related condition. Last evaluated: 2024-01-29. Review status: no assertion criteria provided. Collection method: clinical testing. Allele origin: germline. Not counted in ClinVar's aggregate classification.
Comment: The TSC1 c.946C>T variant is predicted to result in the amino acid substitution p.Arg316Trp. To our knowledge, this variant has not been reported in the literature. This variant is reported in 0.016% of alleles in individuals of South Asian descent in gnomAD. At this time, the clinical significance of this variant is uncertain due to the absence of conclusive functional and genetic evidence.

NM_000368.5(TSC1):c.946C>T (p.Arg316Trp)

Gene: TSC1 (TSC complex subunit 1; minus strand). Cytogenetic location: 9q34.13.
Variant type: single nucleotide variant.
Coding change: c.946C>T on transcript NM_000368.5 (MANE Select); coding-DNA position 946, C replaced by T.
Protein change: p.Arg316Trp; replaces arginine 316 with tryptophan.
Molecular consequence: missense variant.
Genome position (GRCh38, 1-based): chr9:132,911,536, G>A on the plus strand (C>T on the coding strand, the complement: TSC1 is on the minus strand). VCF-style: chr9-132911536-G-A. GRCh37 (hg19) VCF-style: chr9-135786923-G-A.
Other names: p.R316W:CGG>TGG; c.946C>T, p.Arg316Trp (NM_001162426.2); c.793C>T, p.Arg265Trp (NM_001162427.2); c.583C>T, p.Arg195Trp (NM_001362177.2); short protein forms R316W, R265W, R195W.
Identifiers: ClinVar variation 207630 (VCV000207630.24), dbSNP rs535868591, ClinGen allele CA039888.